The following is an entry in ClinVar:

NM_152564.5(VPS13B):c.3799A>C (p.Ser1267Arg)

Gene: VPS13B (vacuolar protein sorting 13 homolog B; plus strand). Cytogenetic location: 8q22.2.
Variant type: single nucleotide variant.
Coding change: c.3799A>C on transcript NM_152564.5 (MANE Select); coding-DNA position 3799, A replaced by C.
Protein change: p.Ser1267Arg; replaces serine 1267 with arginine.
Molecular consequence: missense variant.
Genome position (GRCh38, 1-based): chr8:99,481,731, A>C. VCF-style: chr8-99481731-A-C. GRCh37 (hg19) VCF-style: chr8-100493959-A-C.
Other names: c.3799A>C (NM_152564.4); c.3799A>C, p.Ser1267Arg (NM_017890.5); short protein forms S1267R.
Identifiers: ClinVar variation 961186 (VCV000961186.9), dbSNP rs749167191, ClinGen allele CA4823338.
Genomic context (GRCh38, chr8:99,481,731, plus strand): 5'-AACCTATCTCCAACCTCTCCAGAGACCATGGCAGGGCCTGTTCCTACTTCTCCAGTTAGA[A>C]GCAGTATAGGCACAGCTCCTCCAGATACCAGCACATGCAGCCCATCTGCTGACATTGGGA-3'
Protein context (NP_689777.3, residues 1257-1277): AGPVPTSPVR[Ser1267Arg]SIGTAPPDTS

ClinVar aggregate classification (germline): Uncertain significance. Review status: criteria provided, multiple submitters, no conflicts (2 of 4 stars). 3 submissions from 3 submitters: Uncertain significance (3). Last evaluated 2025-09-02.

Conditions:
Cohen syndrome (COH1). Also called: PEPPER SYNDROME; Cutis verticis gyrata, retinitis pigmentosa, and sensorineural deafness. Identifiers: Orphanet 193, MedGen C0265223, MONDO:0008999, OMIM 216550.
VPS13B-related disorder. Also called: VPS13B-related condition.

Allele frequency attached by ClinVar (database versions not stated): gnomAD exomes below 0.00001 and 0.00002; ExAC 0.00001.
gnomAD v4.1: 2 of 1,614,014 alleles (0.00012%); highest among the groups gnomAD compares: Admixed American, 0.0033%; no homozygotes.

Submissions (3):

PreventionGenetics, part of Exact Sciences
Classification: Uncertain significance for VPS13B-related condition. Last evaluated: 2025-09-02. Review status: criteria provided, single submitter. Criteria: ACMG Guidelines, 2015. Collection method: clinical testing. Allele origin: germline.
Comment: The VPS13B c.3799A>C variant is predicted to result in the amino acid substitution p.Ser1267Arg. To our knowledge, this variant has not been reported in the literature. This variant is reported in 0.012% of alleles in individuals of Latino descent in gnomAD. At this time, the clinical significance of this variant is uncertain due to the absence of conclusive functional and genetic evidence.

Blueprint Genetics
Classification: Uncertain significance. Last evaluated: 2022-08-18. Review status: criteria provided, single submitter. Criteria: ACMG Guidelines, 2015. Collection method: clinical testing. Allele origin: germline.

Labcorp Genetics (formerly Invitae), Labcorp
Classification: Uncertain significance for Cohen syndrome. Last evaluated: 2022-06-13. Review status: criteria provided, single submitter. Criteria: Invitae Variant Classification Sherloc (09022015). Collection method: clinical testing. Allele origin: germline.
Comment: This sequence change replaces serine, which is neutral and polar, with arginine, which is basic and polar, at codon 1267 of the VPS13B protein (p.Ser1267Arg). This variant is present in population databases (rs749167191, gnomAD 0.01%). This variant has not been reported in the literature in individuals affected with VPS13B-related conditions. ClinVar contains an entry for this variant (Variation ID: 961186). Algorithms developed to predict the effect of missense changes on protein structure and function are either unavailable or do not agree on the potential impact of this missense change (SIFT: "Not Available"; PolyPhen-2: "Benign"; Align-GVGD: "Not Available"). In summary, the available evidence is currently insufficient to determine the role of this variant in disease. Therefore, it has been classified as a Variant of Uncertain Significance.